The following is an entry in ClinVar:

NM_001232.4(CASQ2):c.535T>C (p.Tyr179His)

Gene: CASQ2 (calsequestrin 2; minus strand). Cytogenetic location: 1p13.1.
Variant type: single nucleotide variant.
Coding change: c.535T>C on transcript NM_001232.4 (MANE Select); coding-DNA position 535, T replaced by C.
Protein change: p.Tyr179His; replaces tyrosine 179 with histidine.
Molecular consequence: missense variant.
Genome position (GRCh38, 1-based): chr1:115,732,972, A>G on the plus strand (T>C on the coding strand, the complement: CASQ2 is on the minus strand). VCF-style: chr1-115732972-A-G. GRCh37 (hg19) VCF-style: chr1-116275593-A-G.
Other names: short protein forms Y179H.
Identifiers: ClinVar variation 3263470 (VCV003263470.1).

ClinVar aggregate classification (germline): Uncertain significance (1 of 4 stars; one submission).

Conditions:
Cardiovascular phenotype. Identifiers: MedGen CN230736.

Submission:

Ambry Genetics
Classification: Uncertain significance for Cardiovascular phenotype. Last evaluated: 2024-04-12. Review status: criteria provided, single submitter. Criteria: Ambry Variant Classification Scheme 2023. Collection method: clinical testing. Allele origin: germline.
Comment: The p.Y179H variant (also known as c.535T>C), located in coding exon 5 of the CASQ2 gene, results from a T to C substitution at nucleotide position 535. The tyrosine at codon 179 is replaced by histidine, an amino acid with similar properties. This amino acid position is conserved. In addition, the in silico prediction for this alteration is inconclusive. Based on the available evidence, the clinical significance of this variant remains unclear.